The following is an entry in ClinVar:

ClinVar aggregate classification (germline): Uncertain significance (1 of 4 stars; one submission).

Conditions:
Inborn genetic diseases. Identifiers: MedGen C0950123, MeSH D030342.

gnomAD v4.1: 9 of 1,613,124 alleles (0.00056%); highest among the groups gnomAD compares: African/African-American, 0.011%; no homozygotes.

Submission:

Ambry Genetics
Classification: Uncertain significance for Inborn genetic diseases. Last evaluated: 2025-10-24. Review status: criteria provided, single submitter. Criteria: Ambry Variant Classification Scheme 2023. Collection method: clinical testing. Allele origin: germline.
Comment: The c.529C>G (p.P177A) alteration is located in exon 4 (coding exon 4) of the ACOX1 gene. This alteration results from a C to G substitution at nucleotide position 529, causing the proline (P) at amino acid position 177 to be replaced by an alanine (A). Based on data from gnomAD, the G allele has an overall frequency of 0.001% (3/251478) total alleles studied. The highest observed frequency was 0.019% (3/16254) of African alleles. Based on insufficient or conflicting evidence, the clinical significance of this alteration remains unclear.

NM_004035.7(ACOX1):c.529C>G (p.Pro177Ala)

Gene: ACOX1 (acyl-CoA oxidase 1; minus strand). Cytogenetic location: 17q25.1.
Variant type: single nucleotide variant.
Coding change: c.529C>G on transcript NM_004035.7 (MANE Select); coding-DNA position 529, C replaced by G.
Protein change: p.Pro177Ala; replaces proline 177 with alanine.
Molecular consequence: missense variant.
Genome position (GRCh38, 1-based): chr17:75,957,468, G>C on the plus strand (C>G on the coding strand, the complement: ACOX1 is on the minus strand). VCF-style: chr17-75957468-G-C. GRCh37 (hg19) VCF-style: chr17-73953549-G-C.
Other names: c.415C>G, p.Pro139Ala (NM_001185039.2); c.529C>G, p.Pro177Ala (NM_007292.6); short protein forms P177A, P139A.
Identifiers: ClinVar variation 4565780 (VCV004565780.1).
Genomic context (GRCh38, chr17:75,957,468, plus strand): 5'-TCTCATGACAAACCTTCAAAACATCCAATAAATGCTGAAAAATTCACTTACGCCCACCAG[G>C]CCACCATTTAATGGAGGTCACAGTAGGACTGTTGAGAATGAACTCCTGGGTTTCAGGGTC-3'
Protein context (NP_004026.2, residues 167-187): SPTVTSIKWW[Pro177Ala]GGLGKTSNHA